The following is an entry in ClinVar:

ClinVar aggregate classification (germline): Pathogenic. Review status: criteria provided, multiple submitters, no conflicts (2 of 4 stars). 5 submissions from 5 submitters: Pathogenic (3). 2 of the submissions do not count toward it. Last evaluated 2025-08-07.

Conditions:
NEU1-related disorder. Also called: NEU1-related condition.
NEU1-related disorders.
Sialidosis type 2. Also called: ML I; NEU DEFICIENCY; NEUG DEFICIENCY; NEURAMINIDASE 1 DEFICIENCY; SIALIDASE DEFICIENCY; SIALIDOSIS, TYPE II. Identifiers: Orphanet 812, Orphanet 87876, MedGen C4282398, MONDO:0009738, OMIM 256550.

Allele frequency attached by ClinVar (database versions not stated): gnomAD exomes below 0.00001.
gnomAD v4.1: 2 of 1,613,002 alleles (0.00012%); highest among the groups gnomAD compares: Non-Finnish European, 0.000085%; no homozygotes.

Submissions (5):

GeneDx
Classification: Pathogenic. Last evaluated: 2025-08-07. Review status: criteria provided, single submitter. Criteria: GeneDx Variant Classification Process June 2021. Collection method: clinical testing. Allele origin: germline. Affected: yes.
Comment: Nonsense variant predicted to result in protein truncation or nonsense mediated decay in a gene for which loss of function is a known mechanism of disease; Not observed at significant frequency in large population cohorts (gnomAD); This variant is associated with the following publications: (PMID: 14695530, 22984145)

Labcorp Genetics (formerly Invitae), Labcorp
Classification: Pathogenic. Last evaluated: 2024-03-12. Review status: criteria provided, single submitter. Criteria: Invitae Variant Classification Sherloc (09022015). Collection method: clinical testing. Allele origin: germline.
Comment: This sequence change creates a premature translational stop signal (p.Trp23*) in the NEU1 gene. It is expected to result in an absent or disrupted protein product. Loss-of-function variants in NEU1 are known to be pathogenic (PMID: 11063730, 14517945). This variant is not present in population databases (gnomAD no frequency). This premature translational stop signal has been observed in individual(s) with sialidosis (PMID: 14695530). ClinVar contains an entry for this variant (Variation ID: 2458). For these reasons, this variant has been classified as Pathogenic.

Blueprint Genetics
Classification: Pathogenic for NEU1-related disorders. Last evaluated: 2023-06-19. Review status: criteria provided, single submitter. Criteria: ACMG Guidelines, 2015. Collection method: clinical testing. Allele origin: germline. Affected: yes. Observed: 5 variant alleles.

PreventionGenetics, part of Exact Sciences
Classification: Pathogenic for NEU1-related condition. Last evaluated: 2024-02-29. Review status: no assertion criteria provided. Collection method: clinical testing. Allele origin: germline. Not counted in ClinVar's aggregate classification.
Comment: The NEU1 c.69G>A variant is predicted to result in premature protein termination (p.Trp23*). This variant has been reported in the homozygous state in two unrelated individuals with type II sialidosis (Patients C and D, Pattison et al. 2004. PubMed ID: 14695530). Of note, these patients had clinically severe phenotypes and both passed away by 2-3 months of age. This variant has not been reported in a large population database, indicating this variant is rare. Nonsense variants in NEU1 are expected to be pathogenic. This variant is interpreted as pathogenic.

OMIM
Classification: Pathogenic for SIALIDOSIS, TYPE II. Last evaluated: 2004-01-01. Review status: no assertion criteria provided. Collection method: literature only. Allele origin: germline. Not counted in ClinVar's aggregate classification.

Literature cited by the submitters: PubMed 11063730 (cited by Labcorp Genetics (formerly Invitae), Labcorp); PubMed 14517945 (cited by Labcorp Genetics (formerly Invitae), Labcorp); PubMed 14695530 (cited by Labcorp Genetics (formerly Invitae), Labcorp and OMIM).

NM_000434.4(NEU1):c.69G>A (p.Trp23Ter)

Gene: NEU1 (neuraminidase 1; minus strand). Cytogenetic location: 6p21.33.
Variant type: single nucleotide variant.
Coding change: c.69G>A on transcript NM_000434.4 (MANE Select); coding-DNA position 69, G replaced by A.
Protein change: p.Trp23Ter; replaces tryptophan 23 with a stop codon.
Molecular consequence: nonsense.
Genome position (GRCh38, 1-based): chr6:31,862,708, C>T on the plus strand (G>A on the coding strand, the complement: NEU1 is on the minus strand). VCF-style: chr6-31862708-C-T. GRCh37 (hg19) VCF-style: chr6-31830485-C-T.
Other names: c.69G>A (NM_000434.3); short protein forms W23*.
Identifiers: ClinVar variation 2458 (VCV000002458.8), dbSNP rs104893986, ClinGen allele CA212566.
Genomic context (GRCh38, chr6:31,862,708, plus strand): 5'-GGAGGCTGCCAGAGACAGCAGCAGGAAGATCGCGGCAAACACCCAAACCCTACAGCCTCC[C>T]CAGAAGCCCAGAATCCGCGGCCCCCAGCGTCTGTCCGGGAGCGCCGTGCTGGGTCGCTCC-3'